The following is an entry in ClinVar:

ClinVar aggregate classification (germline): Likely benign (0 of 4 stars; one submission).

Conditions:
PTCH1-related disorder. Also called: PTCH1-related disorders; PTCH1-related condition.

Allele frequency attached by ClinVar (database versions not stated): TOPMed below 0.00001.

Submission:

PreventionGenetics, part of Exact Sciences
Classification: Likely benign for PTCH1-related condition. Last evaluated: 2022-01-26. Review status: no assertion criteria provided. Collection method: clinical testing. Allele origin: germline.
Comment: This variant is classified as likely benign based on ACMG/AMP sequence variant interpretation guidelines (Richards et al. 2015 PMID: 25741868, with internal and published modifications).

NM_001083603.3(PTCH1):c.129A>G (p.Gly43=)

Gene: PTCH1 (patched 1; minus strand). Cytogenetic location: 9q22.32.
Variant type: single nucleotide variant.
Coding change: c.129A>G on transcript NM_001083603.3 (MANE Plus Clinical); coding-DNA position 129, A replaced by G.
Protein change: p.Gly43=; no amino-acid change (glycine 43 retained).
Molecular consequence: synonymous variant. On other transcripts: 5 prime UTR variant (2).
Genome position (GRCh38, 1-based): chr9:95,516,692, T>C on the plus strand (A>G on the coding strand, the complement: PTCH1 is on the minus strand). VCF-style: chr9-95516692-T-C. GRCh37 (hg19) VCF-style: chr9-98278974-T-C.
Other names: c.-221A>G (NM_001083602.3, NM_001354919.2).
Identifiers: ClinVar variation 3061516 (VCV003061516.2), dbSNP rs1409605054, ClinGen allele CA466112165.